The following is an entry in ClinVar:

ClinVar aggregate classification (germline): Conflicting classifications of pathogenicity. Review status: criteria provided, conflicting classifications (1 of 4 stars). 2 submissions from 2 submitters: Uncertain significance (1); Likely benign (1). Last evaluated 2024-05-08.

Conditions:
Cardiovascular phenotype. Identifiers: MedGen CN230736.

Allele frequency attached by ClinVar (database versions not stated): gnomAD exomes 0.00001; TOPMed 0.00003; gnomAD 0.00004.
gnomAD v4.1: 18 of 1,501,474 alleles (0.0012%); highest among the groups gnomAD compares: Middle Eastern, 0.036%; no homozygotes.

Submissions (2):

Ambry Genetics
Classification: Likely benign for Cardiovascular phenotype. Last evaluated: 2024-05-08. Review status: criteria provided, single submitter. Criteria: Ambry Variant Classification Scheme 2023. Collection method: clinical testing. Allele origin: germline.

Labcorp Genetics (formerly Invitae), Labcorp
Classification: Uncertain significance. Last evaluated: 2024-02-19. Review status: criteria provided, single submitter. Criteria: Invitae Variant Classification Sherloc (09022015). Collection method: clinical testing. Allele origin: germline.
Comment: This sequence change replaces glycine, which is neutral and non-polar, with serine, which is neutral and polar, at codon 1047 of the ZNF469 protein (p.Gly1047Ser). This variant is present in population databases (no rsID available, gnomAD 0.02%). This variant has not been reported in the literature in individuals affected with ZNF469-related conditions. ClinVar contains an entry for this variant (Variation ID: 1728051). Algorithms developed to predict the effect of missense changes on protein structure and function output the following: SIFT: "Not Available"; PolyPhen-2: "Benign"; Align-GVGD: "Not Available". The serine amino acid residue is found in multiple mammalian species, which suggests that this missense change does not adversely affect protein function. In summary, the available evidence is currently insufficient to determine the role of this variant in disease. Therefore, it has been classified as a Variant of Uncertain Significance.

NM_001367624.2(ZNF469):c.3139G>A (p.Gly1047Ser)

Genes: ZNF469 (zinc finger protein 469; plus strand), LOC130059718 (ATAC-STARR-seq lymphoblastoid silent region 7847; plus strand). Cytogenetic location: 16q24.2.
Variant type: single nucleotide variant.
Coding change: c.3139G>A on transcript NM_001367624.2 (MANE Select); coding-DNA position 3139, G replaced by A.
Protein change: p.Gly1047Ser; replaces glycine 1047 with serine.
Molecular consequence: missense variant.
Genome position (GRCh38, 1-based): chr16:88,430,609, G>A. VCF-style: chr16-88430609-G-A. GRCh37 (hg19) VCF-style: chr16-88497017-G-A.
Other names: NM_001127464.1:c.3139G>A; short protein forms G1047S.
Identifiers: ClinVar variation 1728051 (VCV001728051.4), dbSNP rs1039298862, ClinGen allele CA286374513.
Genomic context (GRCh38, chr16:88,430,609, plus strand): 5'-CGCCGCCGGCTGCCCCCCAGGAAGGACCCCAGGAAGAGGAAGGCTCGGGGCGGCGCCTGG[G>A]GCAAGGAGCTCATTCTGAAGATCGTGCAGCAGAAGAACAGGCGCCACCGGCGGCTGGGGC-3'
Protein context (NP_001354553.1, residues 1037-1057): RKRKARGGAW[Gly1047Ser]KELILKIVQQ